The following is an entry in ClinVar:

ClinVar aggregate classification (germline): Uncertain significance (1 of 4 stars; one submission).

Allele frequency attached by ClinVar (database versions not stated): gnomAD exomes below 0.00001 and 0.00001; TOPMed below 0.00001; gnomAD 0.00001.
gnomAD v4.1: 7 of 1,613,786 alleles (0.00043%); highest among the groups gnomAD compares: South Asian, 0.0011%; no homozygotes.

Submission:

Labcorp Genetics (formerly Invitae), Labcorp
Classification: Uncertain significance. Last evaluated: 2021-08-27. Review status: criteria provided, single submitter. Criteria: Invitae Variant Classification Sherloc (09022015). Collection method: clinical testing. Allele origin: germline.
Comment: This sequence change replaces proline with leucine at codon 2071 of the CDH23 protein (p.Pro2071Leu). The proline residue is highly conserved and there is a moderate physicochemical difference between proline and leucine. This variant is not present in population databases (ExAC no frequency). This variant has not been reported in the literature in individuals affected with CDH23-related conditions. Algorithms developed to predict the effect of missense changes on protein structure and function are either unavailable or do not agree on the potential impact of this missense change (SIFT: "Deleterious"; PolyPhen-2: "Not Available"; Align-GVGD: "Class C0"). In summary, the available evidence is currently insufficient to determine the role of this variant in disease. Therefore, it has been classified as a Variant of Uncertain Significance.

NM_022124.6(CDH23):c.6212C>T (p.Pro2071Leu)

Gene: CDH23 (cadherin related 23; plus strand). Cytogenetic location: 10q22.1.
Variant type: single nucleotide variant.
Coding change: c.6212C>T on transcript NM_022124.6 (MANE Select); coding-DNA position 6212, C replaced by T.
Protein change: p.Pro2071Leu; replaces proline 2071 with leucine.
Molecular consequence: missense variant.
Genome position (GRCh38, 1-based): chr10:71,791,294, C>T. VCF-style: chr10-71791294-C-T. GRCh37 (hg19) VCF-style: chr10-73551051-C-T.
Other names: short protein forms P2071L.
Identifiers: ClinVar variation 1020410 (VCV001020410.6), dbSNP rs1326076001, ClinGen allele CA377153142.